The following is an entry in ClinVar:

NM_000492.4(CFTR):c.4178C>G (p.Ala1393Gly)

Gene: CFTR (CF transmembrane conductance regulator; plus strand). Cytogenetic location: 7q31.2.
Variant type: single nucleotide variant.
Coding change: c.4178C>G on transcript NM_000492.4 (MANE Select); coding-DNA position 4178, C replaced by G.
Protein change: p.Ala1393Gly; replaces alanine 1393 with glycine.
Molecular consequence: missense variant.
Genome position (GRCh38, 1-based): chr7:117,665,500, C>G. VCF-style: chr7-117665500-C-G. GRCh37 (hg19) VCF-style: chr7-117305554-C-G.
Other names: short protein forms A1393G.
Identifiers: ClinVar variation 1444475 (VCV001444475.6), dbSNP rs2116222697, ClinGen allele CA368983526.
Genomic context (GRCh38, chr7:117,665,500, plus strand): 5'-TATTTTCTTTCTTTTCTAGAACATACCAAATAATTAGAAGAACTCTAAAACAAGCATTTG[C>G]TGATTGCACAGTAATTCTCTGTGAACACAGGATAGAAGCAATGCTGGAATGCCAACAATT-3'
Protein context (NP_000483.3, residues 1383-1403): IIRRTLKQAF[Ala1393Gly]DCTVILCEHR

ClinVar aggregate classification (germline): Uncertain significance (1 of 4 stars; one submission).

Conditions:
Cystic fibrosis (CF). Also called: MUCOVISCIDOSIS. Identifiers: Orphanet 586, MedGen C0010674, MONDO:0009061, OMIM 219700. Disease mechanism: loss of function.

Submission:

Labcorp Genetics (formerly Invitae), Labcorp
Classification: Uncertain significance for Cystic fibrosis. Last evaluated: 2021-12-15. Review status: criteria provided, single submitter. Criteria: Invitae Variant Classification Sherloc (09022015). Collection method: clinical testing. Allele origin: germline.
Comment: This variant is not present in population databases (gnomAD no frequency). In summary, the available evidence is currently insufficient to determine the role of this variant in disease. Therefore, it has been classified as a Variant of Uncertain Significance. Algorithms developed to predict the effect of sequence changes on RNA splicing suggest that this variant may create or strengthen a splice site. Algorithms developed to predict the effect of missense changes on protein structure and function (SIFT, PolyPhen-2, Align-GVGD) all suggest that this variant is likely to be tolerated. This variant has not been reported in the literature in individuals affected with CFTR-related conditions. This sequence change replaces alanine, which is neutral and non-polar, with glycine, which is neutral and non-polar, at codon 1393 of the CFTR protein (p.Ala1393Gly).